The following is an entry in ClinVar:

NM_000245.4(MET):c.1309G>A (p.Val437Ile)

Gene: MET (MET proto-oncogene, receptor tyrosine kinase; plus strand). Cytogenetic location: 7q31.2.
Variant type: single nucleotide variant.
Coding change: c.1309G>A on transcript NM_000245.4 (MANE Select); coding-DNA position 1309, G replaced by A.
Protein change: p.Val437Ile; replaces valine 437 with isoleucine.
Molecular consequence: missense variant.
Genome position (GRCh38, 1-based): chr7:116,731,776, G>A. VCF-style: chr7-116731776-G-A. GRCh37 (hg19) VCF-style: chr7-116371830-G-A.
Other names: c.1309G>A, p.Val437Ile (NM_001127500.3, NM_001324401.3); c.19G>A, p.Val7Ile (NM_001324402.2); short protein forms V437I, V7I.
Identifiers: ClinVar variation 650384 (VCV000650384.14), dbSNP rs1584914185, ClinGen allele CA368972900.

ClinVar aggregate classification (germline): Conflicting classifications of pathogenicity. Review status: criteria provided, conflicting classifications (1 of 4 stars). 3 submissions from 3 submitters: Uncertain significance (2); Likely benign (1). Last evaluated 2026-07-28.

Conditions:
Renal cell carcinoma. Identifiers: Orphanet 217071, MedGen C0007134, MeSH D002292, MONDO:0005086, HP:0005584.
Hereditary cancer-predisposing syndrome. Also called: Neoplastic Syndromes, Hereditary; Hereditary Cancer Syndrome; Hereditary neoplastic syndrome; Tumor predisposition. Identifiers: Orphanet 140162, MedGen C0027672, MeSH D009386, MONDO:0015356.

Allele frequency attached by ClinVar (database versions not stated): gnomAD exomes below 0.00001.
gnomAD v4.1: 2 of 1,614,148 alleles (0.00012%); highest among the groups gnomAD compares: Non-Finnish European, 0.00017%; no homozygotes.

Submissions (3):

Ambry Genetics
Classification: Likely benign for Hereditary cancer-predisposing syndrome. Last evaluated: 2026-07-28. Review status: criteria provided, single submitter. Criteria: Ambry Variant Classification Scheme 2023. Collection method: clinical testing. Allele origin: germline.

Labcorp Genetics (formerly Invitae), Labcorp
Classification: Uncertain significance for Renal cell carcinoma. Last evaluated: 2021-04-27. Review status: criteria provided, single submitter. Criteria: Invitae Variant Classification Sherloc (09022015). Collection method: clinical testing. Allele origin: germline.
Comment: This variant is not present in population databases (ExAC no frequency). This sequence change replaces valine with isoleucine at codon 437 of the MET protein (p.Val437Ile). The valine residue is moderately conserved and there is a small physicochemical difference between valine and isoleucine. This variant has not been reported in the literature in individuals with MET-related disease. In summary, the available evidence is currently insufficient to determine the role of this variant in disease. Therefore, it has been classified as a Variant of Uncertain Significance. Algorithms developed to predict the effect of missense changes on protein structure and function (SIFT, PolyPhen-2, Align-GVGD) all suggest that this variant is likely to be tolerated, but these predictions have not been confirmed by published functional studies and their clinical significance is uncertain.

GeneDx
Classification: Uncertain significance. Last evaluated: 2019-11-26. Review status: criteria provided, single submitter. Criteria: GeneDx Variant Classification Process June 2021. Collection method: clinical testing. Allele origin: germline. Affected: yes.
Comment: Not observed in large population cohorts (Lek 2016); In silico analysis, which includes protein predictors and evolutionary conservation, supports that this variant does not alter protein structure/function; Has not been previously published as pathogenic or benign to our knowledge